The following is an entry in ClinVar:

ClinVar aggregate classification (germline): Uncertain significance (1 of 4 stars; one submission).

Allele frequency attached by ClinVar (database versions not stated): TOPMed 0.00009; gnomAD 0.00012; ESP Exome Variant Server 0.00016; gnomAD exomes 0.00017; ExAC 0.00020.
gnomAD v4.1: 278 of 1,542,070 alleles (0.018%); highest among the groups gnomAD compares: Non-Finnish European, 0.019%; no homozygotes.

Submission:

Labcorp Genetics (formerly Invitae), Labcorp
Classification: Uncertain significance. Last evaluated: 2024-01-04. Review status: criteria provided, single submitter. Criteria: Invitae Variant Classification Sherloc (09022015). Collection method: clinical testing. Allele origin: germline.
Comment: This sequence change replaces proline, which is neutral and non-polar, with serine, which is neutral and polar, at codon 354 of the ADGRB2 protein (p.Pro354Ser). This variant is present in population databases (rs148622443, gnomAD 0.06%). This variant has not been reported in the literature in individuals affected with ADGRB2-related conditions. An algorithm developed to predict the effect of missense changes on protein structure and function (PolyPhen-2) suggests that this variant is likely to be disruptive. In summary, the available evidence is currently insufficient to determine the role of this variant in disease. Therefore, it has been classified as a Variant of Uncertain Significance.

NM_001364857.2(ADGRB2):c.1060C>T (p.Pro354Ser)

Gene: ADGRB2 (adhesion G protein-coupled receptor B2; minus strand). Cytogenetic location: 1p35.2.
Variant type: single nucleotide variant.
Coding change: c.1060C>T on transcript NM_001364857.2 (MANE Select); coding-DNA position 1060, C replaced by T.
Protein change: p.Pro354Ser; replaces proline 354 with serine.
Molecular consequence: missense variant.
Genome position (GRCh38, 1-based): chr1:31,744,220, G>A on the plus strand (C>T on the coding strand, the complement: ADGRB2 is on the minus strand). VCF-style: chr1-31744220-G-A. GRCh37 (hg19) VCF-style: chr1-32209821-G-A.
Other names: c.1060C>T, p.Pro354Ser (NM_001294335.2, NM_001294336.2, NM_001703.2); short protein forms P354S.
Identifiers: ClinVar variation 2886162 (VCV002886162.3), dbSNP rs148622443, ClinGen allele CA736011.